The following is an entry in ClinVar:

NM_000368.5(TSC1):c.116del (p.Pro39fs)

Gene: TSC1 (TSC complex subunit 1; minus strand). Cytogenetic location: 9q34.13.
Variant type: Deletion.
Coding change: c.116del on transcript NM_000368.5 (MANE Select); coding-DNA position 116, one base deleted (C; older notation c.116delC).
Protein change: p.Pro39fs; shifts the reading frame from proline 39.
Molecular consequence: frameshift variant. On other transcripts: 5 prime UTR variant (9), non-coding transcript variant (4), intron variant (9).
Genome position (GRCh38, 1-based): chr9:132,927,295, G deleted on the plus strand (C on the coding strand, the reverse complement: TSC1 is on the minus strand); the first of 3 consecutive G bases (chr9:132,927,295-132,927,297); deleting any one gives the same sequence. VCF-style (leftmost placement, unchanged base first): chr9-132927294-AG-A. GRCh37 (hg19) VCF-style: chr9-135802681-AG-A.
Other names: c.116del, p.Pro39fs (NM_001162426.2, NM_001162427.2, NM_001406592.1 and 21 more transcripts); c.-373del (NM_001406615.1, NM_001406623.1); c.-340del (NM_001406616.1, NM_001406624.1); c.-762del (NM_001406626.1, NM_001406627.1, NM_001406628.1); c.-904del (NM_001406629.1); c.-978del (NM_001406630.1); c.-153-1556del (NM_001406620.1, NM_001406618.1); c.-154+1472del (NM_001406625.1, NM_001406621.1, NM_001406617.1 and 3 more transcripts); and 1 more; short protein forms P39fs.
Identifiers: ClinVar variation 2693573 (VCV002693573.3), dbSNP rs2539115108, ClinGen allele CA2697558115.

ClinVar aggregate classification (germline): Pathogenic (1 of 4 stars; one submission).

Conditions:
Tuberous sclerosis 1 (TSC1). Identifiers: Orphanet 805, MedGen C1854465, MONDO:0008612, OMIM 191100.

Submission:

Labcorp Genetics (formerly Invitae), Labcorp
Classification: Pathogenic for Tuberous sclerosis 1. Last evaluated: 2023-11-06. Review status: criteria provided, single submitter. Criteria: Invitae Variant Classification Sherloc (09022015). Collection method: clinical testing. Allele origin: germline.
Comment: This sequence change creates a premature translational stop signal (p.Pro39Leufs*4) in the TSC1 gene. It is expected to result in an absent or disrupted protein product. Loss-of-function variants in TSC1 are known to be pathogenic (PMID: 10227394, 17304050). This variant is not present in population databases (gnomAD no frequency). This variant has not been reported in the literature in individuals affected with TSC1-related conditions. For these reasons, this variant has been classified as Pathogenic.

Literature cited by the submitters: PubMed 10227394; PubMed 17304050.